The following is an entry in ClinVar:

ClinVar aggregate classification (germline): Uncertain significance (1 of 4 stars; one submission).

Conditions:
Maple syrup urine disease (MSUD). Identifiers: Orphanet 511, MedGen C0024776, MeSH D008375, MONDO:0009563. Disease mechanism: loss of function.

Allele frequency attached by ClinVar (database versions not stated): gnomAD exomes below 0.00001.
gnomAD v4.1: 2 of 1,611,924 alleles (0.00012%); highest among the groups gnomAD compares: Middle Eastern, 0.017%; no homozygotes.

Submission:

Labcorp Genetics (formerly Invitae), Labcorp
Classification: Uncertain significance for Maple syrup urine disease. Last evaluated: 2022-04-01. Review status: criteria provided, single submitter. Criteria: Invitae Variant Classification Sherloc (09022015). Collection method: clinical testing. Allele origin: germline.
Comment: In summary, the available evidence is currently insufficient to determine the role of this variant in disease. Therefore, it has been classified as a Variant of Uncertain Significance. Algorithms developed to predict the effect of missense changes on protein structure and function are either unavailable or do not agree on the potential impact of this missense change (SIFT: "Deleterious"; PolyPhen-2: "Probably Damaging"; Align-GVGD: "Class C0"). This variant has not been reported in the literature in individuals affected with DBT-related conditions. This variant is present in population databases (no rsID available, gnomAD 0.0009%). This sequence change replaces alanine, which is neutral and non-polar, with threonine, which is neutral and polar, at codon 422 of the DBT protein (p.Ala422Thr).

NM_001918.5(DBT):c.1264G>A (p.Ala422Thr)

Gene: DBT (dihydrolipoamide branched chain transacylase E2; minus strand). Cytogenetic location: 1p21.2.
Variant type: single nucleotide variant.
Coding change: c.1264G>A on transcript NM_001918.5 (MANE Select); coding-DNA position 1264, G replaced by A.
Protein change: p.Ala422Thr; replaces alanine 422 with threonine.
Molecular consequence: missense variant. On other transcripts: non-coding transcript variant (4).
Genome position (GRCh38, 1-based): chr1:100,206,247, C>T on the plus strand (G>A on the coding strand, the complement: DBT is on the minus strand). VCF-style: chr1-100206247-C-T. GRCh37 (hg19) VCF-style: chr1-100671803-C-T.
Other names: c.721G>A, p.Ala241Thr (NM_001399969.1, NM_001399972.1); short protein forms A241T, A422T.
Identifiers: ClinVar variation 2414214 (VCV002414214.6), dbSNP rs1410768110, ClinGen allele CA341329822.